The following is an entry in ClinVar:

NM_005902.4(SMAD3):c.607+4A>C

Gene: SMAD3 (SMAD family member 3; plus strand). Cytogenetic location: 15q22.33.
Variant type: single nucleotide variant.
Coding change: c.607+4A>C on transcript NM_005902.4 (MANE Select); 4 bases into the intron after coding-DNA position 607, A replaced by C.
Molecular consequence: intron variant.
Genome position (GRCh38, 1-based): chr15:67,166,857, A>C. VCF-style: chr15-67166857-A-C. GRCh37 (hg19) VCF-style: chr15-67459195-A-C.
Other names: c.292+4A>C (NM_001145102.2); c.475+4A>C (NM_001145103.2); c.22+4A>C (NM_001145104.2).
Identifiers: ClinVar variation 668227 (VCV000668227.3), dbSNP rs1465673227, ClinGen allele CA618686837.

ClinVar aggregate classification (germline): Conflicting classifications of pathogenicity. Review status: criteria provided, conflicting classifications (1 of 4 stars). 2 submissions from 2 submitters: Uncertain significance (1); Likely benign (1). Last evaluated 2024-07-29.

Conditions:
Aneurysm-osteoarthritis syndrome. Also called: ANEURYSMS-OSTEOARTHRITIS SYNDROME; SMAD3-Related Loeys-Dietz Syndrome; Loeys-Dietz syndrome, type 1C; LOEYS-DIETZ SYNDROME WITH OSTEOARTHRITIS. Identifiers: Orphanet 284984, MedGen C3151087, MONDO:0013426, OMIM 613795.

Allele frequency attached by ClinVar (database versions not stated): gnomAD exomes below 0.00001 and 0.00001; TOPMed 0.00003; gnomAD 0.00005.
gnomAD v4.1: 9 of 1,583,894 alleles (0.00057%); highest among the groups gnomAD compares: African/African-American, 0.012%; no homozygotes.

Submissions (2):

All of Us Research Program, National Institutes of Health
Classification: Uncertain significance for Aneurysm-osteoarthritis syndrome. Last evaluated: 2024-07-29. Review status: criteria provided, single submitter. Criteria: ACMG Guidelines, 2015. Collection method: clinical testing. Allele origin: germline. Inheritance: Autosomal dominant inheritance. Observed: 3 variant alleles, 3 heterozygotes.
Comment: This variant causes an A to C nucleotide substitution at the +4 position of intron 4 of the SMAD3 gene. To our knowledge, functional studies have not been reported for this variant. This variant has not been reported in individuals affected with SMAD3-related disorders in the literature. This variant has been identified in 3/236272 chromosomes in the general population by the Genome Aggregation Database (gnomAD). The available evidence is insufficient to determine the role of this variant in disease conclusively. Therefore, this variant is classified as a Variant of Uncertain Significance.

This study involves interpretation of variants in research participants for the purpose of population health screening. Participant phenotype was not available at the time of variant classification. Additional details can be found in publication PMID: 35346344, PMCID: PMC8962531

GeneDx
Classification: Likely benign. Last evaluated: 2018-05-08. Review status: criteria provided, single submitter. Criteria: GeneDx Variant Classification (06012015). Collection method: clinical testing. Allele origin: germline. Affected: yes.
Comment: This variant is considered likely benign or benign based on one or more of the following criteria: it is a conservative change, it occurs at a poorly conserved position in the protein, it is predicted to be benign by multiple in silico algorithms, and/or has population frequency not consistent with disease.